The following is an entry in ClinVar:

NM_001084.5(PLOD3):c.1993C>T (p.Arg665Trp)

Gene: PLOD3 (procollagen-lysine,2-oxoglutarate 5-dioxygenase 3; minus strand). Cytogenetic location: 7q22.1.
Variant type: single nucleotide variant.
Coding change: c.1993C>T on transcript NM_001084.5 (MANE Select); coding-DNA position 1993, C replaced by T.
Protein change: p.Arg665Trp; replaces arginine 665 with tryptophan.
Molecular consequence: missense variant.
Genome position (GRCh38, 1-based): chr7:101,206,847, G>A on the plus strand (C>T on the coding strand, the complement: PLOD3 is on the minus strand). VCF-style: chr7-101206847-G-A. GRCh37 (hg19) VCF-style: chr7-100850128-G-A.
Other names: short protein forms R665W.
Identifiers: ClinVar variation 425422 (VCV000425422.45), dbSNP rs771951643, ClinGen allele CA4407425.

ClinVar aggregate classification (germline): Uncertain significance. Review status: criteria provided, multiple submitters, no conflicts (2 of 4 stars). 2 submissions from 2 submitters: Uncertain significance (2). Last evaluated 2024-10-15.

Allele frequency attached by ClinVar (database versions not stated): TOPMed 0.00002; gnomAD 0.00003; gnomAD exomes 0.00003 and 0.00006; ExAC 0.00021.
gnomAD v4.1: 42 of 1,568,434 alleles (0.0027%); highest among the groups gnomAD compares: Non-Finnish European, 0.0032%; no homozygotes.

Submissions (2):

Labcorp Genetics (formerly Invitae), Labcorp
Classification: Uncertain significance. Last evaluated: 2024-10-15. Review status: criteria provided, single submitter. Criteria: Invitae Variant Classification Sherloc (09022015). Collection method: clinical testing. Allele origin: germline.
Comment: This sequence change replaces arginine, which is basic and polar, with tryptophan, which is neutral and slightly polar, at codon 665 of the PLOD3 protein (p.Arg665Trp). The frequency data for this variant in the population databases is considered unreliable, as metrics indicate poor data quality at this position in the gnomAD database. This variant has not been reported in the literature in individuals affected with PLOD3-related conditions. ClinVar contains an entry for this variant (Variation ID: 425422). Invitae Evidence Modeling of protein sequence and biophysical properties (such as structural, functional, and spatial information, amino acid conservation, physicochemical variation, residue mobility, and thermodynamic stability) indicates that this missense variant is not expected to disrupt PLOD3 protein function with a negative predictive value of 80%. In summary, the available evidence is currently insufficient to determine the role of this variant in disease. Therefore, it has been classified as a Variant of Uncertain Significance.

CeGaT Center for Human Genetics Tuebingen
Classification: Uncertain significance. Last evaluated: 2017-02-01. Review status: criteria provided, single submitter. Criteria: CeGaT Center For Human Genetics Tuebingen Variant Classification Criteria Version 2. Collection method: clinical testing. Allele origin: germline. Affected: yes. Observed: 2 variant alleles.